The following is an entry in ClinVar:

NM_000693.4(ALDH1A3):c.361G>A (p.Asp121Asn)

Genes: ALDH1A3 (aldehyde dehydrogenase 1 family member A3; plus strand), ALDH1A3-AS1 (ALDH1A3 antisense RNA 1; minus strand). Cytogenetic location: 15q26.3.
Variant type: single nucleotide variant.
Coding change: c.361G>A on transcript NM_000693.4 (MANE Select); coding-DNA position 361, G replaced by A.
Protein change: p.Asp121Asn; replaces aspartic acid 121 with asparagine.
Molecular consequence: missense variant. On other transcripts: non-coding transcript variant (1), intron variant (1).
Genome position (GRCh38, 1-based): chr15:100,892,525, G>A. VCF-style: chr15-100892525-G-A. GRCh37 (hg19) VCF-style: chr15-101432730-G-A.
Other names: c.346-3408G>A (NM_001293815.2); short protein forms D121N.
Identifiers: ClinVar variation 1954065 (VCV001954065.5), dbSNP rs775873830, ClinGen allele CA7760054.

ClinVar aggregate classification (germline): Uncertain significance (1 of 4 stars; one submission).

Conditions:
Isolated microphthalmia 8. Identifiers: Orphanet 2542, MedGen C3554524, MONDO:0014050, OMIM 615113.

Allele frequency attached by ClinVar (database versions not stated): ExAC 0.00001; TOPMed 0.00002.
gnomAD v4.1: 1 of 1,612,604 alleles (0.000062%); highest among the groups gnomAD compares: Admixed American, 0.0017%; no homozygotes.

Submission:

Labcorp Genetics (formerly Invitae), Labcorp
Classification: Uncertain significance for Isolated microphthalmia 8. Last evaluated: 2022-07-05. Review status: criteria provided, single submitter. Criteria: Invitae Variant Classification Sherloc (09022015). Collection method: clinical testing. Allele origin: germline.
Comment: In summary, the available evidence is currently insufficient to determine the role of this variant in disease. Therefore, it has been classified as a Variant of Uncertain Significance. Algorithms developed to predict the effect of missense changes on protein structure and function are either unavailable or do not agree on the potential impact of this missense change (SIFT: "Deleterious"; PolyPhen-2: "Probably Damaging"; Align-GVGD: "Class C15"). This variant has not been reported in the literature in individuals affected with ALDH1A3-related conditions. This variant is present in population databases (rs775873830, gnomAD 0.006%). This sequence change replaces aspartic acid, which is acidic and polar, with asparagine, which is neutral and polar, at codon 121 of the ALDH1A3 protein (p.Asp121Asn).